The following is an entry in ClinVar:

NM_024529.5(CDC73):c.1040C>T (p.Ala347Val)

Gene: CDC73 (cell division cycle 73; plus strand). Cytogenetic location: 1q31.2.
Variant type: single nucleotide variant.
Coding change: c.1040C>T on transcript NM_024529.5 (MANE Select); coding-DNA position 1040, C replaced by T.
Protein change: p.Ala347Val; replaces alanine 347 with valine.
Molecular consequence: missense variant.
Genome position (GRCh38, 1-based): chr1:193,212,074, C>T. VCF-style: chr1-193212074-C-T. GRCh37 (hg19) VCF-style: chr1-193181204-C-T.
Other names: short protein forms A347V.
Identifiers: ClinVar variation 949733 (VCV000949733.10), dbSNP rs1677289364, ClinGen allele CA344077437.

ClinVar aggregate classification (germline): Uncertain significance (1 of 4 stars; one submission).

Conditions:
Parathyroid carcinoma (PRTC). Also called: CDC73-Related Parathyroid Carcinoma; Parathyroid gland carcinoma. Identifiers: Orphanet 143, MedGen C0687150, MONDO:0012004, OMIM 608266, HP:0006780.

Allele frequency attached by ClinVar (database versions not stated): gnomAD exomes below 0.00001.
gnomAD v4.1: 1 of 1,584,706 alleles (0.000063%); highest among the groups gnomAD compares: South Asian, 0.0011%; no homozygotes.

Submission:

Labcorp Genetics (formerly Invitae), Labcorp
Classification: Uncertain significance for Parathyroid carcinoma. Last evaluated: 2019-07-09. Review status: criteria provided, single submitter. Criteria: Invitae Variant Classification Sherloc (09022015). Collection method: clinical testing. Allele origin: germline.
Comment: This variant has not been reported in the literature in individuals with CDC73-related conditions. This variant is not present in population databases (ExAC no frequency). This sequence change replaces alanine with valine at codon 347 of the CDC73 protein (p.Ala347Val). The alanine residue is moderately conserved and there is a small physicochemical difference between alanine and valine. In summary, the available evidence is currently insufficient to determine the role of this variant in disease. Therefore, it has been classified as a Variant of Uncertain Significance. Algorithms developed to predict the effect of sequence changes on RNA splicing suggest that this variant may create or strengthen a splice site, but this prediction has not been confirmed by published transcriptional studies. Algorithms developed to predict the effect of missense changes on protein structure and function are either unavailable or do not agree on the potential impact of this missense change (SIFT: "Deleterious"; PolyPhen-2: "Possibly Damaging"; Align-GVGD: "Class C0").